The following is an entry in ClinVar:

ClinVar aggregate classification (germline): Uncertain significance. Review status: criteria provided, multiple submitters, no conflicts (2 of 4 stars). 2 submissions from 2 submitters: Uncertain significance (2). Last evaluated 2025-06-24.

Conditions:
SHORT syndrome. Also called: SHORT STATURE, HYPEREXTENSIBILITY, HERNIA, OCULAR DEPRESSION, RIEGER ANOMALY, AND TEETHING DELAY; LIPODYSTROPHY, PARTIAL, WITH RIEGER ANOMALY AND SHORT STATURE; PIK3R1-Related SHORT Syndrome. Identifiers: Orphanet 3163, MedGen C0878684, MONDO:0010026, OMIM 269880.
Agammaglobulinemia 7, autosomal recessive (AGM7). Also called: AGAMMAGLOBULINEMIA, AUTOSOMAL RECESSIVE, DUE TO PIK3R1 DEFECT. Identifiers: MedGen C3554689, MONDO:0014083, OMIM 615214.
Immunodeficiency 36 with lymphoproliferation. Also called: Immunodeficiency 36; ACTIVATED PI3K-DELTA SYNDROME 2; Activated PI3K Delta Syndrome Type 2 (APDS2). Identifiers: Orphanet 397596, Orphanet 693681, MedGen C4014934, MONDO:0014453, OMIM 616005.

Submissions (2):

Labcorp Genetics (formerly Invitae), Labcorp
Classification: Uncertain significance for SHORT syndrome; Immunodeficiency 36 with lymphoproliferation; Agammaglobulinemia 7, autosomal recessive. Last evaluated: 2025-06-24. Review status: criteria provided, single submitter. Criteria: Invitae Variant Classification Sherloc (09022015). Collection method: clinical testing. Allele origin: germline.
Comment: This variant, c.1842_1844del, results in the deletion of 1 amino acid(s) of the PIK3R1 protein (p.Glu614del), but otherwise preserves the integrity of the reading frame. This variant is present in population databases (rs748989437, gnomAD 0.0009%). This variant has not been reported in the literature in individuals affected with PIK3R1-related conditions. Experimental studies and prediction algorithms are not available or were not evaluated, and the functional significance of this variant is currently unknown. In summary, the available evidence is currently insufficient to determine the role of this variant in disease. Therefore, it has been classified as a Variant of Uncertain Significance.

Blueprint Genetics
Classification: Uncertain significance. Last evaluated: 2021-03-11. Review status: criteria provided, single submitter. Criteria: ACMG Guidelines, 2015. Collection method: clinical testing. Allele origin: germline.

NM_181523.3(PIK3R1):c.1842_1844del (p.Glu614del)

Gene: PIK3R1 (phosphoinositide-3-kinase regulatory subunit 1; plus strand). Cytogenetic location: 5q13.1.
Variant type: Deletion.
Coding change: c.1842_1844del on transcript NM_181523.3 (MANE Select); coding-DNA positions 1842 to 1844, 3 bases deleted (AGA; older notation c.1842_1844delAGA).
Protein change: p.Glu614del; deletes glutamic acid 614.
Genome position (GRCh38, 1-based): chr5:68,296,198-68,296,200, AGA deleted; deleting any 3 consecutive bases within chr5:68,296,196-68,296,200 gives the same sequence; the c. name uses the placement nearest the transcript's 3' end. VCF-style (leftmost placement, unchanged base first): chr5-68296195-TGAA-T. GRCh37 (hg19) VCF-style: chr5-67592023-TGAA-T.
Other names: c.753_755del, p.Glu251del (NM_001242466.2); c.1032_1034del, p.Glu344del (NM_181504.4); c.942_944del, p.Glu314del (NM_181524.2); short protein forms E344del, E614del, E251del, E314del.
Identifiers: ClinVar variation 4782602 (VCV004782602.2).
Genomic context (GRCh38, chr5:68,296,195, plus strand): 5'-CTCTTCATTTAGAAACTTTCTGTCCTGCCTGCCTAGCCAATATTCACTGGTGGAAGATGA[TGAA>T]GATTTGCCCCATCATGATGAGAAGACATGGAATGTTGGAAGCAGCAACCGAAACAAAGCT-3'